The following is an entry in ClinVar:

NM_005378.6(MYCN):c.833_846del (p.Asp278fs)

Gene: MYCN (MYCN proto-oncogene, bHLH transcription factor; plus strand). Cytogenetic location: 2p24.3.
Variant type: Deletion.
Coding change: c.833_846del on transcript NM_005378.6 (MANE Select); coding-DNA positions 833 to 846, 14 bases deleted (ACGTGGTCACTGTG).
Protein change: p.Asp278fs; shifts the reading frame from aspartic acid 278.
Molecular consequence: frameshift variant. On other transcripts: 3 prime UTR variant (1).
Genome position (GRCh38, 1-based): chr2:15,945,535-15,945,548, ACGTGGTCACTGTG deleted; deleting any 14 consecutive bases within chr2:15,945,534-15,945,548 gives the same sequence; the c. name uses the placement nearest the transcript's 3' end. VCF-style (leftmost placement, unchanged base first): chr2-15945533-CGACGTGGTCACTGT-C. GRCh37 (hg19) VCF-style: chr2-16085655-CGACGTGGTCACTGT-C.
Other names: c.833_846del, p.Asp278fs (NM_001293228.2); c.200_213del, p.Asp67fs (NM_001293231.2); c.*768_*781del (NM_001293233.2); short protein forms D278fs, D67fs.
Identifiers: ClinVar variation 3376293 (VCV003376293.1).
Genomic context (GRCh38, chr2:15,945,533, plus strand): 5'-AACTAGCATCTTTCTCTCAGATGATGAAGATGATGAAGAGGAAGATGAAGAGGAAGAAAT[CGACGTGGTCACTGT>C]GGAGAAGCGGCGTTCCTCCTCCAACACCAAGGCTGTCACCACATTCACCATCACTGTGCG-3'

ClinVar aggregate classification (germline): Pathogenic (1 of 4 stars; one submission).

Conditions:
Feingold syndrome type 1 (FGLDS1). Also called: MICROCEPHALY, MENTAL RETARDATION, AND TRACHEOESOPHAGEAL FISTULA SYNDROME; MICROCEPHALY-OCULO-DIGITO-ESOPHAGEAL-DUODENAL SYNDROME; OCULODIGITOESOPHAGODUODENAL SYNDROME; ODED SYNDROME; MICROCEPHALY AND DIGITAL ABNORMALITIES WITH NORMAL INTELLIGENCE. Identifiers: Orphanet 1305, Orphanet 391641, MedGen C4551774, MONDO:0008115, OMIM 164280.

Submission:

Pittsburgh Clinical Genomics Laboratory, University of Pittsburgh Medical Center
Classification: Pathogenic for Feingold syndrome type 1. Last evaluated: 2022-05-04. Review status: criteria provided, single submitter. Criteria: ACMG Guidelines, 2015. Collection method: clinical testing. Allele origin: germline. Inheritance: Autosomal dominant inheritance. Affected: yes.
Comment: This sequence variant is a fourteen-nucleotide deletion (delGACGTGGTCACTGT) spanning coding positions c.833 to c.846 in exon 3 of 3 of the MYCN gene. This deletion results a premature termition sigl 60 codons downstream of the frameshift introduced at codon 278. While this variant is not expected to undergo nonsense mediated decay, a premature termition at this position would elimite the MYCN protein's D binding domain and dimerization domain (PMID: 33628735) which is crucial to embryonic development (PMID: 29636449). This variant is absent from control population datasets (gnomAD database, 0 of 281,732 alleles) and online datasets of clinically annotated variants (ClinVar). To our knowledge, this variant has not been observed in individuals with MYCN-related disease in the published literature. Likewise, studies examining the functiol consequence of this variant have not been published, to our knowledge. However, loss of function is known to be a mechanism of disease for MYCN (PMID: 1459449). Given this information, we consider this a pathogenic variant. ACMG Criteria: PM2, PS2, PVS1

Literature cited by the submitters: PubMed 33628735; PubMed 29636449; PubMed 1459449.